The following is an entry in ClinVar:

NM_001286577.2(C2CD3):c.6020C>T (p.Pro2007Leu)

Gene: C2CD3 (C2 domain containing 3 centriole elongation regulator; minus strand). Cytogenetic location: 11q13.4.
Variant type: single nucleotide variant.
Coding change: c.6020C>T on transcript NM_001286577.2 (MANE Select); coding-DNA position 6020, C replaced by T.
Protein change: p.Pro2007Leu; replaces proline 2007 with leucine.
Molecular consequence: missense variant.
Genome position (GRCh38, 1-based): chr11:74,034,140, G>A on the plus strand (C>T on the coding strand, the complement: C2CD3 is on the minus strand). VCF-style: chr11-74034140-G-A. GRCh37 (hg19) VCF-style: chr11-73745185-G-A.
Other names: short protein forms P2007L.
Identifiers: ClinVar variation 1469626 (VCV001469626.3), dbSNP rs1952627039, ClinGen allele CA381821886.

ClinVar aggregate classification (germline): Uncertain significance (1 of 4 stars; one submission).

Allele frequency attached by ClinVar (database versions not stated): TOPMed below 0.00001; gnomAD exomes 0.00001.
gnomAD v4.1: 10 of 1,536,168 alleles (0.00065%); highest among the groups gnomAD compares: Admixed American, 0.002%; no homozygotes.

Submission:

Labcorp Genetics (formerly Invitae), Labcorp
Classification: Uncertain significance. Last evaluated: 2022-10-10. Review status: criteria provided, single submitter. Criteria: Invitae Variant Classification Sherloc (09022015). Collection method: clinical testing. Allele origin: germline.
Comment: The C2CD3 gene has multiple clinically relevant transcripts. This variant occurs in alternate transcript NM_001286577.1, and corresponds to NM_015531.5:c.*458C>T in the primary transcript. This sequence change replaces proline, which is neutral and non-polar, with leucine, which is neutral and non-polar, at codon 2007 of the C2CD3 protein (p.Pro2007Leu). This variant is not present in population databases (gnomAD no frequency). This variant has not been reported in the literature in individuals affected with C2CD3-related conditions. Experimental studies and prediction algorithms are not available or were not evaluated, and the functional significance of this variant is currently unknown. In summary, the available evidence is currently insufficient to determine the role of this variant in disease. Therefore, it has been classified as a Variant of Uncertain Significance.